The following is an entry in ClinVar:

ClinVar aggregate classification (germline): Uncertain significance (1 of 4 stars; one submission).

Allele frequency attached by ClinVar (database versions not stated): gnomAD exomes below 0.00001.
gnomAD v4.1: 1 of 1,610,768 alleles (0.000062%); highest among the groups gnomAD compares: Non-Finnish European, 0.000085%; no homozygotes.

Submission:

GeneDx
Classification: Uncertain significance. Last evaluated: 2024-09-17. Review status: criteria provided, single submitter. Criteria: GeneDx Variant Classification Process June 2021. Collection method: clinical testing. Allele origin: germline. Affected: yes.
Comment: Not observed at significant frequency in large population cohorts (gnomAD); In silico analysis supports that this missense variant has a deleterious effect on protein structure/function; Has not been previously published as pathogenic or benign to our knowledge

NM_018117.12(WDR11):c.908T>C (p.Leu303Ser)

Gene: WDR11 (WD repeat domain 11; plus strand). Cytogenetic location: 10q26.12.
Variant type: single nucleotide variant.
Coding change: c.908T>C on transcript NM_018117.12 (MANE Select); coding-DNA position 908, T replaced by C.
Protein change: p.Leu303Ser; replaces leucine 303 with serine.
Molecular consequence: missense variant.
Genome position (GRCh38, 1-based): chr10:120,865,658, T>C. VCF-style: chr10-120865658-T-C. GRCh37 (hg19) VCF-style: chr10-122625170-T-C.
Other names: short protein forms L303S.
Identifiers: ClinVar variation 1304894 (VCV001304894.3), dbSNP rs2133745425, ClinGen allele CA378322939.